The following is an entry in ClinVar:

ClinVar aggregate classification (germline): Benign. Review status: criteria provided, multiple submitters, no conflicts (2 of 4 stars). 2 submissions from 2 submitters: Benign (2). Last evaluated 2018-06-14.

Allele frequency attached by ClinVar (database versions not stated): gnomAD 0.78018 and 0.79076; TOPMed 0.78875; 1000 Genomes Project 30x 0.83682; gnomAD exomes 0.84418; 1000 Genomes Project 0.84605.
gnomAD v4.1: 980,747 of 1,170,972 alleles (84%); highest among the groups gnomAD compares: East Asian, 100%; 413,912 homozygotes.

Submissions (2):

GeneDx
Classification: Benign. Last evaluated: 2018-06-14. Review status: criteria provided, single submitter. Criteria: GeneDx Variant Classification (06012015). Collection method: clinical testing. Allele origin: germline. Affected: yes.
Comment: This variant is considered likely benign or benign based on one or more of the following criteria: it is a conservative change, it occurs at a poorly conserved position in the protein, it is predicted to be benign by multiple in silico algorithms, and/or has population frequency not consistent with disease.

Breakthrough Genomics
Classification: Benign. Review status: criteria provided, single submitter. Criteria: ACMG Guidelines, 2015. Collection method: not provided. Allele origin: germline. Inheritance: Autosomal dominant inheritance. Affected: yes.

NM_144670.6(A2ML1):c.644-74A>G

Gene: A2ML1 (alpha-2-macroglobulin like 1; plus strand). Cytogenetic location: 12p13.31.
Variant type: single nucleotide variant.
Coding change: c.644-74A>G on transcript NM_144670.6 (MANE Select); 74 bases into the intron before coding-DNA position 644, A replaced by G.
Molecular consequence: intron variant.
Genome position (GRCh38, 1-based): chr12:8,836,181, A>G. VCF-style: chr12-8836181-A-G. GRCh37 (hg19) VCF-style: chr12-8988777-A-G.
Identifiers: ClinVar variation 561539 (VCV000561539.2), dbSNP rs1894814, ClinGen allele CA16435669.